The following is an entry in ClinVar:

ClinVar aggregate classification (germline): Uncertain significance. Review status: criteria provided, multiple submitters, no conflicts (2 of 4 stars). 4 submissions from 4 submitters: Uncertain significance (4). Last evaluated 2024-07-09.

Conditions:
Familial thoracic aortic aneurysm and aortic dissection (TAAD). Also called: Thoracic aortic aneurysms and dissections. Identifiers: Orphanet 91387, MedGen C4707243, MONDO:0019625.
Loeys-Dietz syndrome (LDS). Identifiers: Orphanet 60030, MedGen C2697932, MONDO:0018954.

Allele frequency attached by ClinVar (database versions not stated): gnomAD exomes 0.00001 and 0.00002; TOPMed 0.00001.
gnomAD v4.1: 33 of 1,613,986 alleles (0.002%); highest among the groups gnomAD compares: Non-Finnish European, 0.0026%; no homozygotes.

Submissions (4):

Labcorp Genetics (formerly Invitae), Labcorp
Classification: Uncertain significance for Familial thoracic aortic aneurysm and aortic dissection. Last evaluated: 2024-07-09. Review status: criteria provided, single submitter. Criteria: Invitae Variant Classification Sherloc (09022015). Collection method: clinical testing. Allele origin: germline.
Comment: This sequence change replaces tyrosine, which is neutral and polar, with asparagine, which is neutral and polar, at codon 295 of the TGFBR1 protein (p.Tyr295Asn). This variant is present in population databases (rs200560562, gnomAD 0.002%). This variant has not been reported in the literature in individuals affected with TGFBR1-related conditions. ClinVar contains an entry for this variant (Variation ID: 926038). Advanced modeling of protein sequence and biophysical properties (such as structural, functional, and spatial information, amino acid conservation, physicochemical variation, residue mobility, and thermodynamic stability) performed at Invitae indicates that this missense variant is not expected to disrupt TGFBR1 protein function with a negative predictive value of 80%. In summary, the available evidence is currently insufficient to determine the role of this variant in disease. Therefore, it has been classified as a Variant of Uncertain Significance.

Ambry Genetics
Classification: Uncertain significance for Familial thoracic aortic aneurysm and aortic dissection. Last evaluated: 2024-05-11. Review status: criteria provided, single submitter. Criteria: Ambry Variant Classification Scheme 2023. Collection method: clinical testing. Allele origin: germline.
Comment: The p.Y295N variant (also known as c.883T>A), located in coding exon 5 of the TGFBR1 gene, results from a T to A substitution at nucleotide position 883. The tyrosine at codon 295 is replaced by asparagine, an amino acid with dissimilar properties. This amino acid position is conserved. In addition, this alteration is predicted to be deleterious by in silico analysis. Based on the available evidence, the clinical significance of this variant remains unclear.

Color Diagnostics, LLC DBA Color Health
Classification: Uncertain significance for Familial thoracic aortic aneurysm and aortic dissection. Last evaluated: 2024-03-06. Review status: criteria provided, single submitter. Criteria: ACMG Guidelines, 2015. Collection method: clinical testing. Allele origin: germline.
Comment: This missense variant replaces tyrosine with asparagine at codon 295 of the TGFBR1 protein. Computational prediction suggests that this variant may not impact protein structure and function (internally defined REVEL score threshold <= 0.5, PMID: 27666373). To our knowledge, functional studies have not been reported for this variant. This variant has not been reported in individuals affected with cardiovascular disorders in the literature. This variant has been identified in 2/251072 chromosomes in the general population by the Genome Aggregation Database (gnomAD). The available evidence is insufficient to determine the role of this variant in disease conclusively. Therefore, this variant is classified as a Variant of Uncertain Significance.

All of Us Research Program, National Institutes of Health
Classification: Uncertain significance for Loeys-Dietz syndrome. Last evaluated: 2023-12-18. Review status: criteria provided, single submitter. Criteria: ACMG Guidelines, 2015. Collection method: clinical testing. Allele origin: germline. Inheritance: Autosomal dominant inheritance. Observed: 5 variant alleles, 5 heterozygotes.
Comment: This missense variant replaces tyrosine with asparagine at codon 295 of the TGFBR1 protein. Computational prediction suggests that this variant may not impact protein structure and function (internally defined REVEL score threshold <= 0.5, PMID: 27666373). To our knowledge, functional studies have not been reported for this variant. This variant has not been reported in individuals affected with cardiovascular disorders in the literature. This variant has been identified in 2/251072 chromosomes in the general population by the Genome Aggregation Database (gnomAD). The available evidence is insufficient to determine the role of this variant in disease conclusively. Therefore, this variant is classified as a Variant of Uncertain Significance.

This study involves interpretation of variants in research participants for the purpose of population health screening. Participant phenotype was not available at the time of variant classification. Additional details can be found in publication PMID: 35346344, PMCID: PMC8962531

NM_004612.4(TGFBR1):c.883T>A (p.Tyr295Asn)

Gene: TGFBR1 (transforming growth factor beta receptor 1; plus strand). Cytogenetic location: 9q22.33.
Variant type: single nucleotide variant.
Coding change: c.883T>A on transcript NM_004612.4 (MANE Select); coding-DNA position 883, T replaced by A.
Protein change: p.Tyr295Asn; replaces tyrosine 295 with asparagine.
Molecular consequence: missense variant.
Genome position (GRCh38, 1-based): chr9:99,142,613, T>A. VCF-style: chr9-99142613-T-A. GRCh37 (hg19) VCF-style: chr9-101904895-T-A.
Other names: c.652T>A, p.Tyr218Asn (NM_001130916.3); c.895T>A, p.Tyr299Asn (NM_001306210.2); c.883T>A (NM_004612.2); short protein forms Y218N, Y295N, Y299N.
Identifiers: ClinVar variation 926038 (VCV000926038.13), dbSNP rs200560562, ClinGen allele CA196891567.